The following is an entry in ClinVar:

ClinVar aggregate classification (germline): Uncertain significance. Review status: criteria provided, multiple submitters, no conflicts (2 of 4 stars). 2 submissions from 2 submitters: Uncertain significance (2). Last evaluated 2021-05-18.

Submissions (2):

Labcorp Genetics (formerly Invitae), Labcorp
Classification: Uncertain significance. Last evaluated: 2021-05-18. Review status: criteria provided, single submitter. Criteria: Invitae Variant Classification Sherloc (09022015). Collection method: clinical testing. Allele origin: germline.
Comment: In summary, the available evidence is currently insufficient to determine the role of this variant in disease. Therefore, it has been classified as a Variant of Uncertain Significance. This variant is not present in population databases (ExAC no frequency). This variant has not been reported in the literature in individuals with RAI1-related conditions. Algorithms developed to predict the effect of missense changes on protein structure and function are either unavailable or do not agree on the potential impact of this missense change (SIFT: "Deleterious"; PolyPhen-2: "Benign"; Align-GVGD: "Class C0"). This sequence change replaces glycine with arginine at codon 1868 of the RAI1 protein (p.Gly1868Arg). The glycine residue is moderately conserved and there is a moderate physicochemical difference between glycine and arginine.

GeneDx
Classification: Uncertain significance. Last evaluated: 2019-08-26. Review status: criteria provided, single submitter. Criteria: GeneDx Variant Classification Process June 2021. Collection method: clinical testing. Allele origin: germline. Affected: yes.
Comment: Not observed in large population cohorts (Lek et al., 2016); In silico analysis, which includes protein predictors and evolutionary conservation, supports a deleterious effect; Has not been previously published as pathogenic or benign to our knowledge

NM_030665.4(RAI1):c.5602G>A (p.Gly1868Arg)

Gene: RAI1 (retinoic acid induced 1; plus strand). Cytogenetic location: 17p11.2.
Variant type: single nucleotide variant.
Coding change: c.5602G>A on transcript NM_030665.4 (MANE Select); coding-DNA position 5602, G replaced by A.
Protein change: p.Gly1868Arg; replaces glycine 1868 with arginine.
Molecular consequence: missense variant.
Genome position (GRCh38, 1-based): chr17:17,803,792, G>A. VCF-style: chr17-17803792-G-A. GRCh37 (hg19) VCF-style: chr17-17707106-G-A.
Other names: short protein forms G1868R.
Identifiers: ClinVar variation 1192911 (VCV001192911.10), dbSNP rs2143005182, ClinGen allele CA398559900.